The following is an entry in ClinVar:

ClinVar aggregate classification (germline): Uncertain significance. Review status: criteria provided, multiple submitters, no conflicts (2 of 4 stars). 2 submissions from 2 submitters: Uncertain significance (2). Last evaluated 2025-11-09.

Conditions:
Hereditary cancer-predisposing syndrome. Also called: Neoplastic Syndromes, Hereditary; Hereditary neoplastic syndrome; Tumor predisposition; Hereditary Cancer Syndrome. Identifiers: Orphanet 140162, MedGen C0027672, MeSH D009386, MONDO:0015356.
Tuberous sclerosis 2 (TSC2). Identifiers: Orphanet 805, MedGen C1860707, MONDO:0013199, OMIM 613254.

Submissions (2):

Labcorp Genetics (formerly Invitae), Labcorp
Classification: Uncertain significance for Tuberous sclerosis 2. Last evaluated: 2025-11-09. Review status: criteria provided, single submitter. Criteria: Invitae Variant Classification Sherloc (09022015). Collection method: clinical testing. Allele origin: germline.
Comment: This sequence change replaces alanine, which is neutral and non-polar, with aspartic acid, which is acidic and polar, at codon 1163 of the TSC2 protein (p.Ala1163Asp). This variant is not present in population databases (gnomAD no frequency). This variant has not been reported in the literature in individuals affected with TSC2-related conditions. ClinVar contains an entry for this variant (Variation ID: 663690). Invitae Evidence Modeling of protein sequence and biophysical properties (such as structural, functional, and spatial information, amino acid conservation, physicochemical variation, residue mobility, and thermodynamic stability) indicates that this missense variant is not expected to disrupt TSC2 protein function with a negative predictive value of 95%. In summary, the available evidence is currently insufficient to determine the role of this variant in disease. Therefore, it has been classified as a Variant of Uncertain Significance.

Ambry Genetics
Classification: Uncertain significance for Hereditary cancer-predisposing syndrome. Last evaluated: 2024-01-06. Review status: criteria provided, single submitter. Criteria: Ambry Variant Classification Scheme 2023. Collection method: clinical testing. Allele origin: germline.
Comment: The p.A1163D variant (also known as c.3488C>A), located in coding exon 29 of the TSC2 gene, results from a C to A substitution at nucleotide position 3488. The alanine at codon 1163 is replaced by aspartic acid, an amino acid with dissimilar properties. This amino acid position is conserved. In addition, the in silico prediction for this alteration is inconclusive. Since supporting evidence is limited at this time, the clinical significance of this alteration remains unclear.

NM_000548.5(TSC2):c.3488C>A (p.Ala1163Asp)

Gene: TSC2 (TSC complex subunit 2; plus strand). Cytogenetic location: 16p13.3.
Variant type: single nucleotide variant.
Coding change: c.3488C>A on transcript NM_000548.5 (MANE Select); coding-DNA position 3488, C replaced by A.
Protein change: p.Ala1163Asp; replaces alanine 1163 with aspartic acid.
Molecular consequence: missense variant.
Genome position (GRCh38, 1-based): chr16:2,080,255, C>A. VCF-style: chr16-2080255-C-A. GRCh37 (hg19) VCF-style: chr16-2130256-C-A.
Other names: c.3356C>A, p.Ala1119Asp (NM_001077183.3, NM_001370404.1); c.3488C>A, p.Ala1163Asp (NM_001114382.3); c.3248C>A, p.Ala1083Asp (NM_001318827.2); c.3212C>A, p.Ala1071Asp (NM_001318829.2); c.2756C>A, p.Ala919Asp (NM_001318831.2); c.3389C>A, p.Ala1130Asp (NM_001318832.2); c.3359C>A, p.Ala1120Asp (NM_001363528.2, NM_001370405.1, NM_021055.3); short protein forms A1119D, A1163D, A919D, A1083D, A1120D, A1071D, A1130D.
Identifiers: ClinVar variation 663690 (VCV000663690.9), dbSNP rs1596390123, ClinGen allele CA394289059.
Genomic context (GRCh38, chr16:2,080,255, plus strand): 5'-ACGTGCCGGCCTCCCAGTTCCTGGGCAGTGCCACTTCTCCAGGACCACGGACTGCACCAG[C>A]CGCGAAACCTGAGAAGGCCTCAGCTGGCACCCGGGTTCCTGTGCAGGAGAAGACGAACCT-3'
Protein context (NP_000539.2, residues 1153-1173): ATSPGPRTAP[Ala1163Asp]AKPEKASAGT